The following is an entry in ClinVar:

ClinVar aggregate classification (germline): Uncertain significance (1 of 4 stars; one submission).

Submission:

GeneDx
Classification: Uncertain significance. Last evaluated: 2019-04-17. Review status: criteria provided, single submitter. Criteria: GeneDx Variant Classification Process June 2021. Collection method: clinical testing. Allele origin: germline. Affected: yes.
Comment: Has not been previously published as pathogenic or benign to our knowledge; Not observed in large population cohorts (Lek et al., 2016); In silico analysis, which includes protein predictors and evolutionary conservation, supports a deleterious effect

NM_004606.5(TAF1):c.4073G>A (p.Arg1358Gln)

Gene: TAF1 (TATA-box binding protein associated factor 1; plus strand). Cytogenetic location: Xq13.1.
Variant type: single nucleotide variant.
Coding change: c.4073G>A on transcript NM_004606.5 (MANE Select); coding-DNA position 4073, G replaced by A.
Protein change: p.Arg1358Gln; replaces arginine 1358 with glutamine.
Molecular consequence: missense variant. On other transcripts: non-coding transcript variant (9).
Genome position (GRCh38, 1-based): chrX:71,406,712, G>A. VCF-style: chrX-71406712-G-A. GRCh37 (hg19) VCF-style: chrX-70626562-G-A.
Other names: c.4073G>A, p.Arg1358Gln (NM_001286074.2); c.4010G>A, p.Arg1337Gln (NM_138923.4); short protein forms R1337Q, R1358Q.
Identifiers: ClinVar variation 1304182 (VCV001304182.2), dbSNP rs2148479946, ClinGen allele CA413535774.